The following is an entry in ClinVar:

ClinVar aggregate classification (germline): Likely benign (0 of 4 stars; one submission).

Conditions:
SCAPER-related disorder. Also called: SCAPER-related condition.

gnomAD v4.1: 3 of 1,613,848 alleles (0.00019%); highest among the groups gnomAD compares: African/African-American, 0.0013%; no homozygotes.

Submission:

PreventionGenetics, part of Exact Sciences
Classification: Likely benign for SCAPER-related condition. Last evaluated: 2024-08-20. Review status: no assertion criteria provided. Collection method: clinical testing. Allele origin: germline.
Comment: This variant is classified as likely benign based on ACMG/AMP sequence variant interpretation guidelines (Richards et al. 2015 PMID: 25741868, with internal and published modifications).

NM_020843.4(SCAPER):c.909A>G (p.Val303=)

Gene: SCAPER (S-phase cyclin A associated protein in the ER; minus strand). Cytogenetic location: 15q24.3.
Variant type: single nucleotide variant.
Coding change: c.909A>G on transcript NM_020843.4 (MANE Select); coding-DNA position 909, A replaced by G.
Protein change: p.Val303=; no amino-acid change (valine 303 retained).
Molecular consequence: synonymous variant. On other transcripts: non-coding transcript variant (1).
Genome position (GRCh38, 1-based): chr15:76,774,981, T>C on the plus strand (A>G on the coding strand, the complement: SCAPER is on the minus strand). VCF-style: chr15-76774981-T-C. GRCh37 (hg19) VCF-style: chr15-77067322-T-C.
Other names: c.171A>G, p.Val57= (NM_001145923.2); c.909A>G, p.Val303= (NM_001353009.2); c.507A>G, p.Val169= (NM_001353010.2, NM_001353011.2, NM_001353012.2).
Identifiers: ClinVar variation 3357376 (VCV003357376.1).
Genomic context (GRCh38, chr15:76,774,981, plus strand): 5'-ATTAGAAGTTCCATCTCCAACAAATTGACCTTTCTGTATGCTTTCATCAGGTAAAAGACA[T>C]ACATTTTCTTTATCACTGTCATCCTTTGATCTTGTGGCTTCTGTTGCCAATGAAACTTTT-3'
Protein context (NP_065894.2, residues 293-313): RSKDDSDKEN[Val303=]CLLPDESIQK